The following is an entry in ClinVar:

ClinVar aggregate classification (germline): Uncertain significance. Review status: criteria provided, multiple submitters, no conflicts (2 of 4 stars). 2 submissions from 2 submitters: Uncertain significance (2). Last evaluated 2025-04-29.

Conditions:
Inborn genetic diseases. Identifiers: MedGen C0950123, MeSH D030342.
Baller-Gerold syndrome (BGS). Also called: CRANIOSYNOSTOSIS WITH RADIAL DEFECTS. Identifiers: Orphanet 1225, MedGen C0265308, MONDO:0009039, OMIM 218600.

Submissions (2):

Ambry Genetics
Classification: Uncertain significance for Inborn genetic diseases. Last evaluated: 2025-04-29. Review status: criteria provided, single submitter. Criteria: Ambry Variant Classification Scheme 2023. Collection method: clinical testing. Allele origin: germline.
Comment: The p.P448L variant (also known as c.1343C>T), located in coding exon 7 of the RECQL4 gene, results from a C to T substitution at nucleotide position 1343. The proline at codon 448 is replaced by leucine, an amino acid with similar properties. This amino acid position is conserved. In addition, this alteration is predicted to be tolerated by in silico analysis. Based on the available evidence, the clinical significance of this variant remains unclear.

Labcorp Genetics (formerly Invitae), Labcorp
Classification: Uncertain significance for Baller-Gerold syndrome. Last evaluated: 2023-03-18. Review status: criteria provided, single submitter. Criteria: Invitae Variant Classification Sherloc (09022015). Collection method: clinical testing. Allele origin: germline.
Comment: This variant has not been reported in the literature in individuals affected with RECQL4-related conditions. This variant is present in population databases (no rsID available, gnomAD 0.0009%). In summary, the available evidence is currently insufficient to determine the role of this variant in disease. Therefore, it has been classified as a Variant of Uncertain Significance. Advanced modeling of protein sequence and biophysical properties (such as structural, functional, and spatial information, amino acid conservation, physicochemical variation, residue mobility, and thermodynamic stability) performed at Invitae indicates that this missense variant is not expected to disrupt RECQL4 protein function. This sequence change replaces proline, which is neutral and non-polar, with leucine, which is neutral and non-polar, at codon 448 of the RECQL4 protein (p.Pro448Leu).

NM_004260.4(RECQL4):c.1343C>T (p.Pro448Leu)

Gene: RECQL4 (RecQ like helicase 4; minus strand). Cytogenetic location: 8q24.3.
Variant type: single nucleotide variant.
Coding change: c.1343C>T on transcript NM_004260.4 (MANE Select); coding-DNA position 1343, C replaced by T.
Protein change: p.Pro448Leu; replaces proline 448 with leucine.
Molecular consequence: missense variant. On other transcripts: 5 prime UTR variant (1), non-coding transcript variant (3).
Genome position (GRCh38, 1-based): chr8:144,515,373, G>A on the plus strand (C>T on the coding strand, the complement: RECQL4 is on the minus strand). VCF-style: chr8-144515373-G-A. GRCh37 (hg19) VCF-style: chr8-145740757-G-A.
Other names: c.1343C>T, p.Pro448Leu (NM_001413033.1, NM_001413036.1, NM_001413039.1 and 2 more transcripts); c.272C>T, p.Pro91Leu (NM_001413034.1, NM_001413035.1, NM_001413037.1 and 8 more transcripts); c.206C>T, p.Pro69Leu (NM_001413041.1, NM_001413027.1, NM_001413030.1 and 2 more transcripts); c.1247C>T, p.Pro416Leu (NM_001413017.1, NM_001413020.1); c.1214C>T, p.Pro405Leu (NM_001413025.1); c.992C>T, p.Pro331Leu (NM_001413029.1); c.-125C>T (NM_001413043.1); c.1343C>T (NM_004260.3); short protein forms P331L, P405L, P448L, P69L, P91L, P416L.
Identifiers: ClinVar variation 2846817 (VCV002846817.4), dbSNP rs1433116281, ClinGen allele CA372685535.
Genomic context (GRCh38, chr8:144,515,373, plus strand): 5'-GCTGACTGCTCACCTGCCAACTGCCCTGAGGGCCCCAGGGAGTAGAGTGGCAGCACGGTG[G>A]GGTCCAGGCTGGGCACCTCAGGTACAGGTTGTGGTGAAGGAACCAGTGGCTCAGGCCCAA-3'
Protein context (NP_004251.4, residues 438-458): QPVPEVPSLD[Pro448Leu]TVLPLYSLGP